The following is an entry in ClinVar:

NM_014956.5(CEP164):c.214A>G (p.Ile72Val)

Gene: CEP164 (centrosomal protein 164; plus strand). Cytogenetic location: 11q23.3.
Variant type: single nucleotide variant.
Coding change: c.214A>G on transcript NM_014956.5 (MANE Select); coding-DNA position 214, A replaced by G.
Protein change: p.Ile72Val; replaces isoleucine 72 with valine.
Molecular consequence: missense variant.
Genome position (GRCh38, 1-based): chr11:117,351,809, A>G. VCF-style: chr11-117351809-A-G. GRCh37 (hg19) VCF-style: chr11-117222525-A-G.
Other names: c.214A>G, p.Ile72Val (NM_001271933.2); short protein forms I72V.
Identifiers: ClinVar variation 2108307 (VCV002108307.4), dbSNP rs775054558, ClinGen allele CA6294373.
Genomic context (GRCh38, chr11:117,351,809, plus strand): 5'-ATCTGAGCAGGGACTAACTTCTGAACTCTGCCCATCCCCAGCCAGGACATCACAGGTGAC[A>G]TTTACTATTTCAACTTCGCCAACGGGCAGTCTATGTGGGACCATCCATGTGACGAACACT-3'
Protein context (NP_055771.4, residues 62-82): WKPCQDITGD[Ile72Val]YYFNFANGQS

ClinVar aggregate classification (germline): Uncertain significance (1 of 4 stars; one submission).

Conditions:
Nephronophthisis 15 (NPHP15). Identifiers: Orphanet 3156, MedGen C3541853, MONDO:0013917, OMIM 614845.

Allele frequency attached by ClinVar (database versions not stated): gnomAD exomes 0.00001; ExAC 0.00002.
gnomAD v4.1: 8 of 1,612,592 alleles (0.0005%); highest among the groups gnomAD compares: Non-Finnish European, 0.00025%; no homozygotes.

Submission:

Labcorp Genetics (formerly Invitae), Labcorp
Classification: Uncertain significance for Nephronophthisis 15. Last evaluated: 2022-03-10. Review status: criteria provided, single submitter. Criteria: Invitae Variant Classification Sherloc (09022015). Collection method: clinical testing. Allele origin: germline.
Comment: Algorithms developed to predict the effect of missense changes on protein structure and function (SIFT, PolyPhen-2, Align-GVGD) all suggest that this variant is likely to be tolerated. In summary, the available evidence is currently insufficient to determine the role of this variant in disease. Therefore, it has been classified as a Variant of Uncertain Significance. This variant has not been reported in the literature in individuals affected with CEP164-related conditions. This variant is present in population databases (rs775054558, gnomAD 0.009%). This sequence change replaces isoleucine, which is neutral and non-polar, with valine, which is neutral and non-polar, at codon 72 of the CEP164 protein (p.Ile72Val).